The following is an entry in ClinVar:

NM_006949.4(STXBP2):c.500G>A (p.Arg167Gln)

Gene: STXBP2 (syntaxin binding protein 2; plus strand). Cytogenetic location: 19p13.2.
Variant type: single nucleotide variant.
Coding change: c.500G>A on transcript NM_006949.4 (MANE Select); coding-DNA position 500, G replaced by A.
Protein change: p.Arg167Gln; replaces arginine 167 with glutamine.
Molecular consequence: missense variant. On other transcripts: non-coding transcript variant (1).
Genome position (GRCh38, 1-based): chr19:7,641,775, G>A. VCF-style: chr19-7641775-G-A. GRCh37 (hg19) VCF-style: chr19-7706661-G-A.
Other names: c.500G>A (NM_006949.3); c.491G>A, p.Arg164Gln (NM_001127396.3); c.533G>A, p.Arg178Gln (NM_001272034.2); short protein forms R167Q, R164Q, R178Q.
Identifiers: ClinVar variation 1494718 (VCV001494718.6), dbSNP rs949311854, ClinGen allele CA304906934.

ClinVar aggregate classification (germline): Uncertain significance. Review status: criteria provided, multiple submitters, no conflicts (2 of 4 stars). 2 submissions from 2 submitters: Uncertain significance (2). Last evaluated 2025-12-30.

Conditions:
STXBP2-related disorder. Also called: STXBP2-related condition.
Familial hemophagocytic lymphohistiocytosis 5. Also called: STXBP2-Related Familial Hemophagocytic Lymphohistiocytosis (STXBP2-fHLH). Identifiers: Orphanet 540, MedGen C2751293, MONDO:0013135, OMIM 613101.

gnomAD v4.1: 13 of 1,551,682 alleles (0.00084%); highest among the groups gnomAD compares: African/African-American, 0.0027%; no homozygotes.

Submissions (2):

PreventionGenetics, part of Exact Sciences
Classification: Uncertain significance for STXBP2-related condition. Last evaluated: 2025-12-30. Review status: criteria provided, single submitter. Criteria: ACMG Guidelines, 2015. Collection method: clinical testing. Allele origin: germline.
Comment: The STXBP2 c.500G>A variant is predicted to result in the amino acid substitution p.Arg167Gln. To our knowledge, this variant has not been reported in the literature. This variant is reported in 0.0017% of alleles in individuals of European (Non-Finnish) descent in gnomAD. At this time, the clinical significance of this variant is uncertain due to the absence of conclusive functional and genetic evidence.

Labcorp Genetics (formerly Invitae), Labcorp
Classification: Uncertain significance for Familial hemophagocytic lymphohistiocytosis 5. Last evaluated: 2022-04-08. Review status: criteria provided, single submitter. Criteria: Invitae Variant Classification Sherloc (09022015). Collection method: clinical testing. Allele origin: germline.
Comment: This sequence change replaces arginine, which is basic and polar, with glutamine, which is neutral and polar, at codon 167 of the STXBP2 protein (p.Arg167Gln). This variant is present in population databases (no rsID available, gnomAD 0.002%). This variant has not been reported in the literature in individuals affected with STXBP2-related conditions. Algorithms developed to predict the effect of missense changes on protein structure and function output the following: SIFT: "Tolerated"; PolyPhen-2: "Benign"; Align-GVGD: "Class C0". The glutamine amino acid residue is found in multiple mammalian species, which suggests that this missense change does not adversely affect protein function. In summary, the available evidence is currently insufficient to determine the role of this variant in disease. Therefore, it has been classified as a Variant of Uncertain Significance.